The following is an entry in ClinVar:

ClinVar aggregate classification (germline): Pathogenic (1 of 4 stars; one submission).

Conditions:
Marfan syndrome (MFS). Also called: MARFAN SYNDROME, TYPE I; Marfan syndrome type 1; Marfan's syndrome; Marfan syndrome, classic; FBN1-Related Marfan Syndrome. Identifiers: Orphanet 284963, Orphanet 558, MedGen C0024796, MONDO:0007947, OMIM 154700.
Familial thoracic aortic aneurysm and aortic dissection (TAAD). Also called: Thoracic aortic aneurysms and dissections. Identifiers: Orphanet 91387, MedGen C4707243, MONDO:0019625.

Submission:

Labcorp Genetics (formerly Invitae), Labcorp
Classification: Pathogenic for Marfan syndrome; Familial thoracic aortic aneurysm and aortic dissection. Last evaluated: 2023-12-18. Review status: criteria provided, single submitter. Criteria: Invitae Variant Classification Sherloc (09022015). Collection method: clinical testing. Allele origin: germline.
Comment: This sequence change replaces cysteine, which is neutral and slightly polar, with arginine, which is basic and polar, at codon 1860 of the FBN1 protein (p.Cys1860Arg). This variant is not present in population databases (gnomAD no frequency). This missense change has been observed in individuals with Marfan syndrome (PMID: 18435798, 27906200). Advanced modeling of protein sequence and biophysical properties (such as structural, functional, and spatial information, amino acid conservation, physicochemical variation, residue mobility, and thermodynamic stability) performed at Invitae indicates that this missense variant is expected to disrupt FBN1 protein function with a positive predictive value of 95%. This variant affects a cysteine residue in the EGF-like, TGFBP or hybrid motif domains of FBN1. Cysteine residues are believed to be involved in intramolecular disulfide bridges and have been shown to be important for FBN1 protein structure (PMID: 16905551, 19349279). In addition, missense substitutions affecting cysteine residues within these domains are significantly overrepresented among patients with Marfan syndrome (PMID: 16571647, 17701892). For these reasons, this variant has been classified as Pathogenic.

Literature cited by the submitters: PubMed 18435798; PubMed 27906200; PubMed 16905551; PubMed 19349279; PubMed 16571647; PubMed 17701892.

NM_000138.5(FBN1):c.5578T>C (p.Cys1860Arg)

Gene: FBN1 (fibrillin 1; minus strand). Cytogenetic location: 15q21.1.
Variant type: single nucleotide variant.
Coding change: c.5578T>C on transcript NM_000138.5 (MANE Select); coding-DNA position 5578, T replaced by C.
Protein change: p.Cys1860Arg; replaces cysteine 1860 with arginine.
Molecular consequence: missense variant.
Genome position (GRCh38, 1-based): chr15:48,448,861, A>G on the plus strand (T>C on the coding strand, the complement: FBN1 is on the minus strand). VCF-style: chr15-48448861-A-G. GRCh37 (hg19) VCF-style: chr15-48741058-A-G.
Other names: c.5578T>C, p.Cys1860Arg (NM_001406716.1); short protein forms C1860R.
Identifiers: ClinVar variation 2925544 (VCV002925544.3), dbSNP rs2505463427, ClinGen allele CA392342288.